The following is an entry in ClinVar:

ClinVar aggregate classification (germline): Uncertain significance (1 of 4 stars; one submission).

Conditions:
Dystonia 12 (DYT12). Also called: DYT-ATP1A3; Rapid-Onset Dystonia-Parkinsonism (RDP). Identifiers: Orphanet 71517, MedGen C1868681, MONDO:0007496, OMIM 128235.

Allele frequency attached by ClinVar (database versions not stated): gnomAD exomes below 0.00001.
gnomAD v4.1: 1 of 1,614,178 alleles (0.000062%); highest among the groups gnomAD compares: Non-Finnish European, 0.000085%; no homozygotes.

Submission:

Labcorp Genetics (formerly Invitae), Labcorp
Classification: Uncertain significance for Dystonia 12. Last evaluated: 2022-10-13. Review status: criteria provided, single submitter. Criteria: Invitae Variant Classification Sherloc (09022015). Collection method: clinical testing. Allele origin: germline.
Comment: In summary, the available evidence is currently insufficient to determine the role of this variant in disease. Therefore, it has been classified as a Variant of Uncertain Significance. Advanced modeling of protein sequence and biophysical properties (such as structural, functional, and spatial information, amino acid conservation, physicochemical variation, residue mobility, and thermodynamic stability) performed at Invitae indicates that this missense variant is expected to disrupt ATP1A3 protein function. ClinVar contains an entry for this variant (Variation ID: 1436967). This variant has not been reported in the literature in individuals affected with ATP1A3-related conditions. This variant is not present in population databases (gnomAD no frequency). This sequence change replaces threonine, which is neutral and polar, with isoleucine, which is neutral and non-polar, at codon 76 of the ATP1A3 protein (p.Thr76Ile).

NM_152296.5(ATP1A3):c.227C>T (p.Thr76Ile)

Gene: ATP1A3 (ATPase Na+/K+ transporting subunit alpha 3; minus strand). Cytogenetic location: 19q13.2.
Variant type: single nucleotide variant.
Coding change: c.227C>T on transcript NM_152296.5 (MANE Select); coding-DNA position 227, C replaced by T.
Protein change: p.Thr76Ile; replaces threonine 76 with isoleucine.
Molecular consequence: missense variant.
Genome position (GRCh38, 1-based): chr19:41,988,066, G>A on the plus strand (C>T on the coding strand, the complement: ATP1A3 is on the minus strand). VCF-style: chr19-41988066-G-A. GRCh37 (hg19) VCF-style: chr19-42492218-G-A.
Other names: c.260C>T, p.Thr87Ile (NM_001256213.2); c.266C>T, p.Thr89Ile (NM_001256214.2); short protein forms T89I, T76I, T87I.
Identifiers: ClinVar variation 1436967 (VCV001436967.6), dbSNP rs2145983246, ClinGen allele CA406056628.
Genomic context (GRCh38, chr19:41,988,066, plus strand): 5'-ATCCACAGCAGGATGGAGAAGCCCCCGAAGAGCTGCCGGCAAAACTTGACCCACTCTGGG[G>A]TGGTAGGCGGTGGCGTGAGTGCGTTAGGCCCATCCCGGGCCAGGATCTCCTGGGCTTTGC-3'
Protein context (NP_689509.1, residues 66-86): GPNALTPPPT[Thr76Ile]PEWVKFCRQL